The following is an entry in ClinVar:

ClinVar aggregate classification (germline): Pathogenic. Review status: criteria provided, multiple submitters, no conflicts (2 of 4 stars). 2 submissions from 2 submitters: Pathogenic (2). Last evaluated 2025-09-04.

Conditions:
Pheochromocytoma/paraganglioma syndrome 5. Also called: Paragangliomas 5; SDHA-Related Hereditary Paraganglioma-Pheochromocytoma Syndrome. Identifiers: Orphanet 29072, MedGen C3279992, MONDO:0013602, OMIM 614165.
Hereditary cancer-predisposing syndrome. Also called: Neoplastic Syndromes, Hereditary; Tumor predisposition; Hereditary Cancer Syndrome; Hereditary neoplastic syndrome. Identifiers: Orphanet 140162, MedGen C0027672, MeSH D009386, MONDO:0015356.

Submissions (2):

Myriad Genetics, Inc.
Classification: Pathogenic for Pheochromocytoma/paraganglioma syndrome 5. Last evaluated: 2025-09-04. Review status: criteria provided, single submitter. Criteria: Myriad Autosomal Dominant, Autosomal Recessive and X-Linked Classification Criteria (2023). Collection method: clinical testing. Allele origin: unknown.
Comment: This variant is considered pathogenic. This variant creates a frameshift predicted to result in premature protein truncation.

Ambry Genetics
Classification: Pathogenic for Hereditary cancer-predisposing syndrome. Last evaluated: 2024-07-18. Review status: criteria provided, single submitter. Criteria: Ambry Variant Classification Scheme 2023. Collection method: clinical testing. Allele origin: germline.
Comment: The c.29_50del22 pathogenic mutation, located in coding exon 1 of the SDHA gene, results from a deletion of 22 nucleotides at nucleotide positions 29 to 50, causing a translational frameshift with a predicted alternate stop codon (p.L10Rfs*41). This variant is considered to be rare based on population cohorts in the Genome Aggregation Database (gnomAD). This alteration is expected to result in loss of function by premature protein truncation or nonsense-mediated mRNA decay. As such, this alteration is interpreted as a disease-causing mutation.

NM_004168.4(SDHA):c.29_50del (p.Leu10fs)

Gene: SDHA (succinate dehydrogenase complex flavoprotein subunit A; plus strand). Cytogenetic location: 5p15.33.
Variant type: Deletion.
Coding change: c.29_50del on transcript NM_004168.4 (MANE Select); coding-DNA positions 29 to 50, 22 bases deleted (TGCTGAGCGCTCGGCGCCTGGC).
Protein change: p.Leu10fs; shifts the reading frame from leucine 10.
Molecular consequence: frameshift variant.
Genome position (GRCh38, 1-based): chr5:218,384-218,405, TGCTGAGCGCTCGGCGCCTGGC deleted; deleting any 22 consecutive bases within chr5:218,381-218,405 gives the same sequence; the c. name uses the placement nearest the transcript's 3' end. VCF-style (leftmost placement, unchanged base first): chr5-218380-CGGCTGCTGAGCGCTCGGCGCCT-C. GRCh37 (hg19) VCF-style: chr5-218495-CGGCTGCTGAGCGCTCGGCGCCT-C.
Other names: c.29_50del, p.Leu10fs (NM_001294332.2, NM_001330758.2); short protein forms L10fs.
Identifiers: ClinVar variation 3438681 (VCV003438681.2).